The following is an entry in ClinVar:

NM_000093.5(COL5A1):c.3291C>T (p.Ala1097=)

Gene: COL5A1 (collagen type V alpha 1 chain; plus strand). Cytogenetic location: 9q34.3.
Variant type: single nucleotide variant.
Coding change: c.3291C>T on transcript NM_000093.5 (MANE Select); coding-DNA position 3291, C replaced by T.
Protein change: p.Ala1097=; no amino-acid change (alanine 1097 retained).
Molecular consequence: synonymous variant.
Genome position (GRCh38, 1-based): chr9:134,806,221, C>T. VCF-style: chr9-134806221-C-T. GRCh37 (hg19) VCF-style: chr9-137698067-C-T.
Other names: p.A1097A:GCC>GCT; c.3291C>T, p.Ala1097= (NM_001278074.1).
Identifiers: ClinVar variation 212898 (VCV000212898.27), dbSNP rs371821655, ClinGen allele CA325023.
Genomic context (GRCh38, chr9:134,806,221, plus strand): 5'-AGCAGACTGTTTTCTTGCTCCACCTCAGGGATCTCCAGGGGAGAGAGGTCCAGCTGGAGC[C>T]GCTGGGCCCATCGGAATTCCAGGGAGACCTGGGCCCCAGGGACCCCCAGGGCCGGCAGGA-3'
Protein context (NP_000084.3, residues 1087-1107): GSPGERGPAG[Ala1097=]AGPIGIPGRP

ClinVar aggregate classification (germline): Benign/Likely benign. Review status: criteria provided, multiple submitters, no conflicts (2 of 4 stars). 9 submissions from 8 submitters: Benign (5); Likely benign (4). Last evaluated 2026-01-12.

Conditions:
Ehlers-Danlos syndrome, classic type, 1 (EDSCL1). Also called: EHLERS-DANLOS SYNDROME, GRAVIS TYPE; EHLERS-DANLOS SYNDROME, SEVERE CLASSIC TYPE; Ehlers-Danlos syndrome, type 1; Ehlers-Danlos Syndrome, Classic Type, COL5A1-Related; EDS I. Identifiers: MedGen C0268335, MONDO:0019567, OMIM 130000.
Familial thoracic aortic aneurysm and aortic dissection (TAAD). Also called: Thoracic aortic aneurysms and dissections. Identifiers: Orphanet 91387, MedGen C4707243, MONDO:0019625.
Fibromuscular dysplasia, multifocal. Identifiers: MedGen C5543412, MONDO:0859151, OMIM 619329.

Allele frequency attached by ClinVar (database versions not stated): gnomAD exomes 0.00009 and 0.00011; gnomAD 0.00012 and 0.00014; ExAC 0.00015; ESP Exome Variant Server 0.00019; 1000 Genomes Project 0.00020; TOPMed 0.00024; 1000 Genomes Project 30x 0.00031.
gnomAD v4.1: 181 of 1,550,638 alleles (0.012%); highest among the groups gnomAD compares: Middle Eastern, 0.035%; no homozygotes.

Submissions (9):

Labcorp Genetics (formerly Invitae), Labcorp
Classification: Likely benign for Ehlers-Danlos syndrome, classic type, 1. Last evaluated: 2026-01-12. Review status: criteria provided, single submitter. Criteria: Invitae Variant Classification Sherloc (09022015). Collection method: clinical testing. Allele origin: germline.

ARUP Laboratories, Molecular Genetics and Genomics, ARUP Laboratories
Classification: Benign. Last evaluated: 2025-07-02. Review status: criteria provided, single submitter. Criteria: ARUP Molecular Germline Variant Investigation Process 2024. Collection method: clinical testing. Allele origin: germline.

CeGaT Center for Human Genetics Tuebingen
Classification: Likely benign. Last evaluated: 2025-07-01. Review status: criteria provided, single submitter. Criteria: CeGaT Center For Human Genetics Tuebingen Variant Classification Criteria Version 2. Collection method: clinical testing. Allele origin: germline. Affected: yes. Observed: 1 variant allele.
Comment: COL5A1: BP4, BP7

Blueprint Genetics
Classification: Likely benign. Last evaluated: 2024-11-21. Review status: criteria provided, single submitter. Criteria: ACMG Guidelines, 2015. Collection method: clinical testing. Allele origin: germline.

Women's Health and Genetics/Laboratory Corporation of America, LabCorp
Classification: Benign. Last evaluated: 2023-07-21. Review status: criteria provided, single submitter. Criteria: LabCorp Variant Classification Summary - May 2015. Collection method: clinical testing. Allele origin: germline.

Genome-Nilou Lab
Classification: Benign for Ehlers-Danlos syndrome, classic type, 1. Last evaluated: 2022-03-15. Review status: criteria provided, single submitter. Criteria: ACMG Guidelines, 2015. Collection method: clinical testing. Allele origin: germline. Affected: no.

Genome-Nilou Lab
Classification: Benign for Fibromuscular dysplasia, multifocal. Last evaluated: 2022-03-15. Review status: criteria provided, single submitter. Criteria: ACMG Guidelines, 2015. Collection method: clinical testing. Allele origin: germline. Affected: no.

Ambry Genetics
Classification: Likely benign for Familial thoracic aortic aneurysm and aortic dissection. Last evaluated: 2015-12-20. Review status: criteria provided, single submitter. Criteria: Ambry Variant Classification Scheme 2023. Collection method: clinical testing. Allele origin: germline.

GeneDx
Classification: Benign. Last evaluated: 2015-02-18. Review status: criteria provided, single submitter. Criteria: GeneDx Variant Classification (06012015). Collection method: clinical testing. Allele origin: germline. Affected: yes.
Comment: This variant is considered likely benign or benign based on one or more of the following criteria: it is a conservative change, it occurs at a poorly conserved position in the protein, it is predicted to be benign by multiple in silico algorithms, and/or has population frequency not consistent with disease.